The following is an entry in ClinVar:

ClinVar aggregate classification (germline): Uncertain significance (1 of 4 stars; one submission).

Conditions:
Gastrointestinal stromal tumor. Also called: Gastrointestinal stromal tumor, somatic; Gastrointestinal stroma tumor. Identifiers: Orphanet 44890, MedGen C0238198, MeSH D046152, MONDO:0011719, OMIM 606764, HP:0100723.

Submission:

Labcorp Genetics (formerly Invitae), Labcorp
Classification: Uncertain significance for Gastrointestinal stromal tumor. Last evaluated: 2020-08-14. Review status: criteria provided, single submitter. Criteria: Invitae Variant Classification Sherloc (09022015). Collection method: clinical testing. Allele origin: germline.
Comment: In summary, the available evidence is currently insufficient to determine the role of this variant in disease. Therefore, it has been classified as a Variant of Uncertain Significance. Algorithms developed to predict the effect of missense changes on protein structure and function are either unavailable or do not agree on the potential impact of this missense change (SIFT: "Tolerated"; PolyPhen-2: "Possibly Damaging"; Align-GVGD: "Class C0"). This variant has not been reported in the literature in individuals with PDGFRA-related conditions. This variant is not present in population databases (ExAC no frequency). This sequence change replaces leucine with isoleucine at codon 14 of the PDGFRA protein (p.Leu14Ile). The leucine residue is moderately conserved and there is a small physicochemical difference between leucine and isoleucine.

NM_006206.6(PDGFRA):c.40C>A (p.Leu14Ile)

Gene: PDGFRA (platelet derived growth factor receptor alpha; plus strand). Cytogenetic location: 4q12.
Variant type: single nucleotide variant.
Coding change: c.40C>A on transcript NM_006206.6 (MANE Select); coding-DNA position 40, C replaced by A.
Protein change: p.Leu14Ile; replaces leucine 14 with isoleucine.
Molecular consequence: missense variant.
Genome position (GRCh38, 1-based): chr4:54,258,808, C>A. VCF-style: chr4-54258808-C-A. GRCh37 (hg19) VCF-style: chr4-55124975-C-A.
Other names: c.40C>A, p.Leu14Ile (NM_001347827.2, NM_001347829.2); c.115C>A, p.Leu39Ile (NM_001347828.2); c.79C>A, p.Leu27Ile (NM_001347830.2); short protein forms L14I, L27I, L39I.
Identifiers: ClinVar variation 1016125 (VCV001016125.8), dbSNP rs1722520036, ClinGen allele CA356888111.